The following is an entry in ClinVar:

ClinVar aggregate classification (germline): Uncertain significance. Review status: criteria provided, multiple submitters, no conflicts (2 of 4 stars). 3 submissions from 3 submitters: Uncertain significance (3). Last evaluated 2025-10-30.

Conditions:
Hereditary sensory and autonomic neuropathy type 6. Also called: HSAN VI; Neuropathy, hereditary sensory and autonomic, type VI. Identifiers: Orphanet 314381, MedGen C3539003, MONDO:0013839, OMIM 614653.
Epidermolysis bullosa simplex 3, localized or generalized intermediate, with BP230 deficiency (EBS3). Also called: Epidermolysis bullosa simplex due to BP230 deficiency; Epidermolysis bullosa simplex, autosomal recessive 2. Identifiers: Orphanet 412181, MedGen C3809470, MONDO:0014180, OMIM 615425.

Allele frequency attached by ClinVar (database versions not stated): gnomAD 0.00003 and 0.00004; TOPMed 0.00003; gnomAD exomes 0.00004 and 0.00005; ExAC 0.00006.
gnomAD v4.1: 65 of 1,613,110 alleles (0.004%); highest among the groups gnomAD compares: Non-Finnish European, 0.0049%; no homozygotes.

Submissions (3):

Mayo Clinic Laboratories, Mayo Clinic
Classification: Uncertain significance. Last evaluated: 2025-10-30. Review status: criteria provided, single submitter. Criteria: ACMG Guidelines, 2015. Collection method: clinical testing. Allele origin: germline. Observed: 1 variant allele.
Comment: PM2_supporting

Blueprint Genetics
Classification: Uncertain significance. Last evaluated: 2024-05-13. Review status: criteria provided, single submitter. Criteria: ACMG Guidelines, 2015. Collection method: clinical testing. Allele origin: germline.

Labcorp Genetics (formerly Invitae), Labcorp
Classification: Uncertain significance for Epidermolysis bullosa simplex 3, localized or generalized intermediate, with BP230 deficiency; Hereditary sensory and autonomic neuropathy type 6. Last evaluated: 2022-07-27. Review status: criteria provided, single submitter. Criteria: Invitae Variant Classification Sherloc (09022015). Collection method: clinical testing. Allele origin: germline.
Comment: The DST gene has multiple clinically relevant transcripts. The p.Arg4054His variant occurs in alternate transcript NM_015548.4, which corresponds to NM_001723.5:c.*117597G>A in the primary transcript. This sequence change replaces arginine, which is basic and polar, with histidine, which is basic and polar, at codon 4054 of the DST protein (p.Arg4054His). This variant is present in population databases (rs748356651, gnomAD 0.01%). This variant has not been reported in the literature in individuals affected with DST-related conditions. Experimental studies and prediction algorithms are not available or were not evaluated, and the functional significance of this variant is currently unknown. In summary, the available evidence is currently insufficient to determine the role of this variant in disease. Therefore, it has been classified as a Variant of Uncertain Significance.

NM_001374736.1(DST):c.20030G>A (p.Arg6677His)

Gene: DST (dystonin; minus strand). Cytogenetic location: 6p12.1.
Variant type: single nucleotide variant.
Coding change: c.20030G>A on transcript NM_001374736.1 (MANE Select); coding-DNA position 20030, G replaced by A.
Protein change: p.Arg6677His; replaces arginine 6677 with histidine.
Molecular consequence: missense variant.
Genome position (GRCh38, 1-based): chr6:56,497,920, C>T on the plus strand (G>A on the coding strand, the complement: DST is on the minus strand). VCF-style: chr6-56497920-C-T. GRCh37 (hg19) VCF-style: chr6-56362718-C-T.
Other names: p.Arg4054His; c.13673G>A, p.Arg4558His (NM_001144769.5); c.13259G>A, p.Arg4420His (NM_001144770.2); c.20030G>A, p.Arg6677His (NM_001374722.1); c.19070G>A, p.Arg6357His (NM_001374729.1); c.12812G>A, p.Arg4271His (NM_001374730.1); c.20057G>A, p.Arg6686His (NM_001374734.1); c.12161G>A, p.Arg4054His (NM_015548.5); and 1 more; short protein forms R4558H, R6677H, R4054H, R4380H, R6357H, R4271H, R4420H, R6686H.
Identifiers: ClinVar variation 964968 (VCV000964968.9), dbSNP rs748356651, ClinGen allele CA3866856.